The following is an entry in ClinVar:

ClinVar aggregate classification (germline): Uncertain significance (1 of 4 stars; one submission).

Conditions:
Familial cancer of breast. Also called: hereditary breast carcinoma; Hereditary breast cancer; BREAST CANCER, FAMILIAL. Identifiers: Orphanet 227535, MedGen C0346153, MONDO:0016419, OMIM 114480. Disease mechanism: loss of function.

Submission:

Labcorp Genetics (formerly Invitae), Labcorp
Classification: Uncertain significance for Familial cancer of breast. Last evaluated: 2021-10-25. Review status: criteria provided, single submitter. Criteria: Invitae Variant Classification Sherloc (09022015). Collection method: clinical testing. Allele origin: germline.
Comment: This variant is not present in population databases (ExAC no frequency). This sequence change replaces glycine with tryptophan at codon 6 of the PALB2 protein (p.Gly6Trp). The glycine residue is moderately conserved and there is a large physicochemical difference between glycine and tryptophan. This variant has not been reported in the literature in individuals affected with PALB2-related conditions. In summary, the available evidence is currently insufficient to determine the role of this variant in disease. Therefore, it has been classified as a Variant of Uncertain Significance. Algorithms developed to predict the effect of missense changes on protein structure and function output the following: SIFT: "Deleterious"; PolyPhen-2: "Possibly Damaging"; Align-GVGD: "Class C0". The tryptophan amino acid residue is found in multiple mammalian species, which suggests that this missense change does not adversely affect protein function.

NM_024675.4(PALB2):c.16G>T (p.Gly6Trp)

Gene: PALB2 (partner and localizer of BRCA2; minus strand). Cytogenetic location: 16p12.2.
Variant type: single nucleotide variant.
Coding change: c.16G>T on transcript NM_024675.4 (MANE Select); coding-DNA position 16, G replaced by T.
Protein change: p.Gly6Trp; replaces glycine 6 with tryptophan.
Molecular consequence: missense variant.
Genome position (GRCh38, 1-based): chr16:23,641,142, C>A on the plus strand (G>T on the coding strand, the complement: PALB2 is on the minus strand). VCF-style: chr16-23641142-C-A. GRCh37 (hg19) VCF-style: chr16-23652463-C-A.
Other names: short protein forms G6W.
Identifiers: ClinVar variation 1499611 (VCV001499611.7), dbSNP rs1967234587, ClinGen allele CA395141190.